The following is an entry in ClinVar:

NM_006421.5(ARFGEF1):c.2643G>T (p.Lys881Asn)

Gene: ARFGEF1 (ARF guanine nucleotide exchange factor 1; minus strand). Cytogenetic location: 8q13.2.
Variant type: single nucleotide variant.
Coding change: c.2643G>T on transcript NM_006421.5 (MANE Select); coding-DNA position 2643, G replaced by T.
Protein change: p.Lys881Asn; replaces lysine 881 with asparagine.
Molecular consequence: missense variant. On other transcripts: non-coding transcript variant (1).
Genome position (GRCh38, 1-based): chr8:67,253,506, C>A on the plus strand (G>T on the coding strand, the complement: ARFGEF1 is on the minus strand). VCF-style: chr8-67253506-C-A. GRCh37 (hg19) VCF-style: chr8-68165741-C-A.
Other names: c.2643G>T, p.Lys881Asn (NM_001413184.1, NM_001413185.1, NM_001413186.1 and 7 more transcripts); c.2043G>T, p.Lys681Asn (NM_001413188.1, NM_001413193.1, NM_001413197.1); c.1218G>T, p.Lys406Asn (NM_001413196.1); short protein forms K406N, K681N, K881N.
Identifiers: ClinVar variation 3389593 (VCV003389593.14).

ClinVar aggregate classification (germline): Uncertain significance (1 of 4 stars; one submission).

Submission:

CeGaT Center for Human Genetics Tuebingen
Classification: Uncertain significance. Last evaluated: 2025-09-01. Review status: criteria provided, single submitter. Criteria: CeGaT Center For Human Genetics Tuebingen Variant Classification Criteria Version 2. Collection method: clinical testing. Allele origin: germline. Affected: yes. Observed: 2 variant alleles.
Comment: ARFGEF1: PM2, PP3